The following is an entry in ClinVar:

ClinVar aggregate classification (germline): Uncertain significance. Review status: criteria provided, multiple submitters, no conflicts (2 of 4 stars). 2 submissions from 2 submitters: Uncertain significance (2). Last evaluated 2026-02-03.

Conditions:
Hereditary cancer-predisposing syndrome. Also called: Tumor predisposition; Hereditary Cancer Syndrome; Neoplastic Syndromes, Hereditary; Hereditary neoplastic syndrome. Identifiers: Orphanet 140162, MedGen C0027672, MeSH D009386, MONDO:0015356.

Allele frequency attached by ClinVar (database versions not stated): TOPMed below 0.00001; gnomAD exomes 0.00001.
gnomAD v4.1: 3 of 1,613,982 alleles (0.00019%); highest among the groups gnomAD compares: Admixed American, 0.005%; no homozygotes.

Submissions (2):

Labcorp Genetics (formerly Invitae), Labcorp
Classification: Uncertain significance. Last evaluated: 2026-02-03. Review status: criteria provided, single submitter. Criteria: Invitae Variant Classification Sherloc (09022015). Collection method: clinical testing. Allele origin: germline.
Comment: This sequence change replaces methionine, which is neutral and non-polar, with isoleucine, which is neutral and non-polar, at codon 2267 of the POLE protein (p.Met2267Ile). This variant is not present in population databases (gnomAD no frequency). This variant has not been reported in the literature in individuals affected with POLE-related conditions. ClinVar contains an entry for this variant (Variation ID: 540657). Invitae Evidence Modeling of protein sequence and biophysical properties (such as structural, functional, and spatial information, amino acid conservation, physicochemical variation, residue mobility, and thermodynamic stability) indicates that this missense variant is expected to disrupt POLE protein function with a positive predictive value of 80%. In summary, the available evidence is currently insufficient to determine the role of this variant in disease. Therefore, it has been classified as a Variant of Uncertain Significance.

Ambry Genetics
Classification: Uncertain significance for Hereditary cancer-predisposing syndrome. Last evaluated: 2025-12-15. Review status: criteria provided, single submitter. Criteria: Ambry Variant Classification Scheme 2023. Collection method: clinical testing. Allele origin: germline.
Comment: The p.M2267I variant (also known as c.6801G>C), located in coding exon 49 of the POLE gene, results from a G to C substitution at nucleotide position 6801. The methionine at codon 2267 is replaced by isoleucine, an amino acid with highly similar properties. This amino acid position is conserved. In addition, the in silico prediction for this alteration is inconclusive. Based on the available evidence, the clinical significance of this variant remains unclear.

NM_006231.4(POLE):c.6801G>C (p.Met2267Ile)

Gene: POLE (DNA polymerase epsilon, catalytic subunit; minus strand). Cytogenetic location: 12q24.33.
Variant type: single nucleotide variant.
Coding change: c.6801G>C on transcript NM_006231.4 (MANE Select); coding-DNA position 6801, G replaced by C.
Protein change: p.Met2267Ile; replaces methionine 2267 with isoleucine.
Molecular consequence: missense variant.
Genome position (GRCh38, 1-based): chr12:132,624,757, C>G on the plus strand (G>C on the coding strand, the complement: POLE is on the minus strand). VCF-style: chr12-132624757-C-G. GRCh37 (hg19) VCF-style: chr12-133201343-C-G.
Other names: c.6801G>C (NM_006231.2); short protein forms M2267I.
Identifiers: ClinVar variation 540657 (VCV000540657.7), dbSNP rs1555300726, ClinGen allele CA387365745.
Genomic context (GRCh38, chr12:132,624,757, plus strand): 5'-CTAATGGCCCAGCTGTGGGTTCTTCTGCAGCAGCCACTCCAGGGTCTCCAGGAGGTACGA[C>G]ATGCCGTAGTGCTGGGCAATGTTCCGGAATATTCCGATCTGTTCCATGAAGACCTGCAGG-3'
Protein context (NP_006222.2, residues 2257-2277): IFRNIAQHYG[Met2267Ile]SYLLETLEWL